The following is an entry in ClinVar:

ClinVar aggregate classification (germline): Uncertain significance (1 of 4 stars; one submission).

Conditions:
Glycine encephalopathy. Also called: Nonketotic hyperglycinemia; Non-ketotic hyperglycinemia. Identifiers: Orphanet 407, MedGen C0751748, MONDO:0011612, HP:0008288.

Allele frequency attached by ClinVar (database versions not stated): gnomAD exomes below 0.00001; TOPMed 0.00001.
gnomAD v4.1: 3 of 1,610,746 alleles (0.00019%); highest among the groups gnomAD compares: Non-Finnish European, 0.00025%; no homozygotes.

Submission:

Labcorp Genetics (formerly Invitae), Labcorp
Classification: Uncertain significance for Glycine encephalopathy. Last evaluated: 2024-10-21. Review status: criteria provided, single submitter. Criteria: Invitae Variant Classification Sherloc (09022015). Collection method: clinical testing. Allele origin: germline.
Comment: This sequence change replaces glutamic acid, which is acidic and polar, with lysine, which is basic and polar, at codon 359 of the GLDC protein (p.Glu359Lys). This variant is not present in population databases (gnomAD no frequency). This variant has not been reported in the literature in individuals affected with GLDC-related conditions. ClinVar contains an entry for this variant (Variation ID: 846884). Invitae Evidence Modeling of protein sequence and biophysical properties (such as structural, functional, and spatial information, amino acid conservation, physicochemical variation, residue mobility, and thermodynamic stability) indicates that this missense variant is not expected to disrupt GLDC protein function with a negative predictive value of 95%. In summary, the available evidence is currently insufficient to determine the role of this variant in disease. Therefore, it has been classified as a Variant of Uncertain Significance.

NM_000170.3(GLDC):c.1075G>A (p.Glu359Lys)

Gene: GLDC (glycine decarboxylase; minus strand). Cytogenetic location: 9p24.1.
Variant type: single nucleotide variant.
Coding change: c.1075G>A on transcript NM_000170.3 (MANE Select); coding-DNA position 1075, G replaced by A.
Protein change: p.Glu359Lys; replaces glutamic acid 359 with lysine.
Molecular consequence: missense variant.
Genome position (GRCh38, 1-based): chr9:6,602,189, C>T on the plus strand (G>A on the coding strand, the complement: GLDC is on the minus strand). VCF-style: chr9-6602189-C-T. GRCh37 (hg19) VCF-style: chr9-6602189-C-T.
Other names: short protein forms E359K.
Identifiers: ClinVar variation 846884 (VCV000846884.4), dbSNP rs1818624630, ClinGen allele CA372894692.